The following is an entry in ClinVar:

NM_001267550.2(TTN):c.83279A>T (p.Asn27760Ile)

Genes: TTN-AS1 (TTN antisense RNA 1; plus strand), TTN (titin; minus strand). Cytogenetic location: 2q31.2.
Variant type: single nucleotide variant.
Coding change: c.83279A>T on transcript NM_001267550.2 (MANE Select); coding-DNA position 83279, A replaced by T.
Protein change: p.Asn27760Ile; replaces asparagine 27760 with isoleucine.
Molecular consequence: missense variant.
Genome position (GRCh38, 1-based): chr2:178,562,853, T>A on the plus strand (A>T on the coding strand, the complement: TTN is on the minus strand). VCF-style: chr2-178562853-T-A. GRCh37 (hg19) VCF-style: chr2-179427580-T-A.
Other names: p.N26119I:AAC>ATC; p.Asn26119Ile; c.78356A>T, p.Asn26119Ile (NM_001256850.1); c.56084A>T, p.Asn18695Ile (NM_003319.4); c.75575A>T, p.Asn25192Ile (NM_133378.4); c.56459A>T, p.Asn18820Ile (NM_133432.3); c.56660A>T, p.Asn18887Ile (NM_133437.4); short protein forms N26119I, N27760I, N18695I, N18820I, N18887I, N25192I.
Identifiers: ClinVar variation 202921 (VCV000202921.7), dbSNP rs200714263, ClinGen allele CA310695.

ClinVar aggregate classification (germline): Uncertain significance. Review status: criteria provided, multiple submitters, no conflicts (2 of 4 stars). 4 submissions from 4 submitters: Uncertain significance (3). 1 of the submissions does not count toward it. Last evaluated 2025-09-05.

Conditions:
TTN-related disorder. Also called: TTN-related condition; TTN-related disease; TTN-related disorders.

Allele frequency attached by ClinVar (database versions not stated): ExAC 0.00002; gnomAD exomes 0.00003; gnomAD 0.00006.
gnomAD v4.1: 54 of 1,613,068 alleles (0.0033%); highest among the groups gnomAD compares: Middle Eastern, 0.017%; no homozygotes.

Submissions (4):

PreventionGenetics, part of Exact Sciences
Classification: Uncertain significance for TTN-related condition. Last evaluated: 2025-09-05. Review status: criteria provided, single submitter. Criteria: ACMG Guidelines, 2015. Collection method: clinical testing. Allele origin: germline.
Comment: The TTN c.83279A>T variant is predicted to result in the amino acid substitution p.Asn27760Ile. To our knowledge, this variant has not been reported in the literature. This variant is reported in 0.0063% of alleles in individuals of European (Non-Finnish) descent in gnomAD. At this time, the clinical significance of this variant is uncertain due to the absence of conclusive functional and genetic evidence.

Mayo Clinic Laboratories, Mayo Clinic
Classification: Uncertain significance. Last evaluated: 2025-02-01. Review status: criteria provided, single submitter. Criteria: ACMG Guidelines, 2015. Collection method: clinical testing. Allele origin: germline. Observed: 1 variant allele.

Revvity Omics, Revvity
Classification: Uncertain significance. Last evaluated: 2019-12-19. Review status: criteria provided, single submitter. Criteria: ACMG Guidelines, 2015. Collection method: clinical testing. Allele origin: germline.

GeneDx
No classification provided. Last evaluated: 2013-08-05. Review status: no classification provided. Criteria: GeneDx Variant Classification (06012015). Collection method: clinical testing. Allele origin: germline. Affected: yes. Not counted in ClinVar's aggregate classification.
Comment: Missense variants in the TTN gene are considered 'unclassified' if they are not previously reported in the literature and do not have >1% frequency in the population to be considered a polymorphism. Research indicates that truncating mutations in the TTN gene are expected to account for approximately 25% of familial and 18% of sporadic idiopathic DCM; however, truncating variants in the TTN gene have been reported in approximately 3% of reported control alleles. There has been little investigation into non-truncating variants. (Herman D et al. Truncations of titin causing dilated cardiomyopathy. N Eng J Med 366:619-628, 2012) The variant is found in DCM panel(s).